The following is an entry in ClinVar:

ClinVar aggregate classification (germline): Uncertain significance (1 of 4 stars; one submission).

Allele frequency attached by ClinVar (database versions not stated): gnomAD exomes below 0.00001.
gnomAD v4.1: 1 of 1,550,352 alleles (0.000065%); highest among the groups gnomAD compares: Non-Finnish European, 0.000087%; no homozygotes.

Submission:

Labcorp Genetics (formerly Invitae), Labcorp
Classification: Uncertain significance. Last evaluated: 2025-09-01. Review status: criteria provided, single submitter. Criteria: Invitae Variant Classification Sherloc (09022015). Collection method: clinical testing. Allele origin: germline.
Comment: This sequence change replaces leucine, which is neutral and non-polar, with valine, which is neutral and non-polar, at codon 40 of the TCF3 protein (p.Leu40Val). This variant is not present in population databases (gnomAD no frequency). This variant has not been reported in the literature in individuals affected with TCF3-related conditions. ClinVar contains an entry for this variant (Variation ID: 2961171). Invitae Evidence Modeling of protein sequence and biophysical properties (such as structural, functional, and spatial information, amino acid conservation, physicochemical variation, residue mobility, and thermodynamic stability) has been performed for this missense variant. However, the output from this modeling did not meet the statistical confidence thresholds required to predict the impact of this variant on TCF3 protein function. In summary, the available evidence is currently insufficient to determine the role of this variant in disease. Therefore, it has been classified as a Variant of Uncertain Significance.

NM_003200.5(TCF3):c.118C>G (p.Leu40Val)

Gene: TCF3 (transcription factor 3; minus strand). Cytogenetic location: 19p13.3.
Variant type: single nucleotide variant.
Coding change: c.118C>G on transcript NM_003200.5 (MANE Select); coding-DNA position 118, C replaced by G.
Protein change: p.Leu40Val; replaces leucine 40 with valine.
Molecular consequence: missense variant.
Genome position (GRCh38, 1-based): chr19:1,646,382, G>C on the plus strand (C>G on the coding strand, the complement: TCF3 is on the minus strand). VCF-style: chr19-1646382-G-C. GRCh37 (hg19) VCF-style: chr19-1646381-G-C.
Other names: c.118C>G, p.Leu40Val (NM_001136139.4, NM_001351778.2, NM_001351779.2); short protein forms L40V.
Identifiers: ClinVar variation 2961171 (VCV002961171.3), dbSNP rs2066100594, ClinGen allele CA403080272.